The following is an entry in ClinVar:

NM_024753.5(TTC21B):c.347T>C (p.Leu116Ser)

Genes: TTC21B (tetratricopeptide repeat domain 21B; minus strand), TTC21B-AS1 (TTC21B antisense RNA 1; plus strand). Cytogenetic location: 2q24.3.
Variant type: single nucleotide variant.
Coding change: c.347T>C on transcript NM_024753.5 (MANE Select); coding-DNA position 347, T replaced by C.
Protein change: p.Leu116Ser; replaces leucine 116 with serine.
Molecular consequence: missense variant.
Genome position (GRCh38, 1-based): chr2:165,945,606, A>G on the plus strand (T>C on the coding strand, the complement: TTC21B is on the minus strand). VCF-style: chr2-165945606-A-G. GRCh37 (hg19) VCF-style: chr2-166802116-A-G.
Other names: short protein forms L116S.
Identifiers: ClinVar variation 1931691 (VCV001931691.5), dbSNP rs2468248169, ClinGen allele CA349053729.

ClinVar aggregate classification (germline): Uncertain significance (1 of 4 stars; one submission).

Conditions:
Nephronophthisis. Also called: Juvenile Nephronophthisis. Identifiers: Orphanet 655, MedGen C0687120, MONDO:0019005, HP:0000090.
Jeune thoracic dystrophy. Also called: Infantile thoracic dystrophy; Thoracic pelvic phalangeal dystrophy; Jeune's syndrome; Chondroectodermal dysplasia-like syndrome; Short-rib thoracic dysplasia; Jeune syndrome. Identifiers: Orphanet 474, MedGen C0265275, MONDO:0018770.

Submission:

Labcorp Genetics (formerly Invitae), Labcorp
Classification: Uncertain significance for Jeune thoracic dystrophy; Nephronophthisis. Last evaluated: 2022-08-16. Review status: criteria provided, single submitter. Criteria: Invitae Variant Classification Sherloc (09022015). Collection method: clinical testing. Allele origin: germline.
Comment: This sequence change replaces leucine, which is neutral and non-polar, with serine, which is neutral and polar, at codon 116 of the TTC21B protein (p.Leu116Ser). Algorithms developed to predict the effect of missense changes on protein structure and function are either unavailable or do not agree on the potential impact of this missense change (SIFT: "Tolerated"; PolyPhen-2: "Possibly Damaging"; Align-GVGD: "Class C0"). In summary, the available evidence is currently insufficient to determine the role of this variant in disease. Therefore, it has been classified as a Variant of Uncertain Significance. This variant is not present in population databases (gnomAD no frequency). This variant has not been reported in the literature in individuals affected with TTC21B-related conditions.